The following is an entry in ClinVar:

ClinVar aggregate classification (germline): Uncertain significance (1 of 4 stars; one submission).

Conditions:
Epidermolysis bullosa simplex with nail dystrophy (EBS5D). Identifiers: MedGen C4225309, MONDO:0014661, OMIM 616487.
Epidermolysis bullosa simplex 5B, with muscular dystrophy (EBS5B). Also called: EPIDERMOLYSIS BULLOSA SIMPLEX AND LIMB-GIRDLE MUSCULAR DYSTROPHY; Epidermolysis bullosa simplex with muscular dystrophy. Identifiers: Orphanet 257, MedGen C2931072, MONDO:0009181, OMIM 226670.
Epidermolysis bullosa simplex 5C, with pyloric atresia (EBS5C). Also called: PLEC-Related Epidermolysis Bullosa with Pyloric Atresia; Epidermolysis bullosa simplex with pyloric atresia; PLEC1-Related Epidermolysis Bullosa with Pyloric Atresia. Identifiers: Orphanet 158684, MedGen C2677349, MONDO:0012807, OMIM 612138.
Autosomal recessive limb-girdle muscular dystrophy type 2Q (LGMDR17). Also called: MUSCULAR DYSTROPHY, LIMB-GIRDLE, AUTOSOMAL RECESSIVE 17. Identifiers: Orphanet 254361, MedGen C3150989, MONDO:0013390, OMIM 613723.
Epidermolysis bullosa simplex, Ogna type (EBS5A). Also called: Pidermolysis bullosa simplex 5A, Ogna type; EPIDERMOLYSIS BULLOSA SIMPLEX 5A, OGNA TYPE. Identifiers: Orphanet 79401, MedGen C0432317, MONDO:0007555, OMIM 131950.

Allele frequency attached by ClinVar (database versions not stated): gnomAD exomes below 0.00001.
gnomAD v4.1: 1 of 1,598,120 alleles (0.000063%); highest among the groups gnomAD compares: Non-Finnish European, 0.000085%; no homozygotes.

Submission:

Labcorp Genetics (formerly Invitae), Labcorp
Classification: Uncertain significance for Autosomal recessive limb-girdle muscular dystrophy type 2Q; Epidermolysis bullosa simplex, Ogna type; Epidermolysis bullosa simplex with nail dystrophy; Epidermolysis bullosa simplex 5C, with pyloric atresia; Epidermolysis bullosa simplex 5B, with muscular dystrophy. Last evaluated: 2023-12-05. Review status: criteria provided, single submitter. Criteria: Invitae Variant Classification Sherloc (09022015). Collection method: clinical testing. Allele origin: germline.
Comment: This sequence change replaces alanine, which is neutral and non-polar, with threonine, which is neutral and polar, at codon 2152 of the PLEC protein (p.Ala2152Thr). This variant is not present in population databases (gnomAD no frequency). This variant has not been reported in the literature in individuals affected with PLEC-related conditions. An algorithm developed to predict the effect of missense changes on protein structure and function (PolyPhen-2) suggests that this variant is likely to be tolerated. In summary, the available evidence is currently insufficient to determine the role of this variant in disease. Therefore, it has been classified as a Variant of Uncertain Significance.

NM_201384.3(PLEC):c.6373G>A (p.Ala2125Thr)

Gene: PLEC (plectin; minus strand). Cytogenetic location: 8q24.3.
Variant type: single nucleotide variant.
Coding change: c.6373G>A on transcript NM_201384.3 (MANE Select); coding-DNA position 6373, G replaced by A.
Protein change: p.Ala2125Thr; replaces alanine 2125 with threonine.
Molecular consequence: missense variant. On other transcripts: intron variant (1).
Genome position (GRCh38, 1-based): chr8:143,923,556, C>T on the plus strand (G>A on the coding strand, the complement: PLEC is on the minus strand). VCF-style: chr8-143923556-C-T. GRCh37 (hg19) VCF-style: chr8-144997724-C-T.
Other names: c.6454G>A, p.Ala2152Thr (NM_000445.5); c.6331G>A, p.Ala2111Thr (NM_201378.4); c.6307G>A, p.Ala2103Thr (NM_201379.3); c.6784G>A, p.Ala2262Thr (NM_201380.4); c.6277G>A, p.Ala2093Thr (NM_201381.3); c.6373G>A, p.Ala2125Thr (NM_201382.4); c.6385G>A, p.Ala2129Thr (NM_201383.3); c.4126-1161G>A (NM_001410941.1); short protein forms A2093T, A2129T, A2111T, A2103T, A2125T, A2152T, A2262T.
Identifiers: ClinVar variation 2929480 (VCV002929480.3), dbSNP rs1554693009, ClinGen allele CA372535036.